The following is an entry in ClinVar:

NM_032638.5(GATA2):c.456C>A (p.Ser152Arg)

Gene: GATA2 (GATA binding protein 2; minus strand). Cytogenetic location: 3q21.3.
Variant type: single nucleotide variant.
Coding change: c.456C>A on transcript NM_032638.5 (MANE Select); coding-DNA position 456, C replaced by A.
Protein change: p.Ser152Arg; replaces serine 152 with arginine.
Molecular consequence: missense variant.
Genome position (GRCh38, 1-based): chr3:128,486,142, G>T on the plus strand (C>A on the coding strand, the complement: GATA2 is on the minus strand). VCF-style: chr3-128486142-G-T. GRCh37 (hg19) VCF-style: chr3-128204985-G-T.
Other names: c.456C>A, p.Ser152Arg (NM_001145661.2, NM_001145662.1); short protein forms S152R.
Identifiers: ClinVar variation 580288 (VCV000580288.9), dbSNP rs750384699, ClinGen allele CA2600025.

ClinVar aggregate classification (germline): Conflicting classifications of pathogenicity. Review status: criteria provided, conflicting classifications (1 of 4 stars). 2 submissions from 2 submitters: Uncertain significance (1); Likely benign (1). Last evaluated 2024-10-28.

Conditions:
Deafness-lymphedema-leukemia syndrome. Also called: Lymphedema, primary, with myelodysplasia; Emberger syndrome. Identifiers: Orphanet 3226, MedGen C3279664, MONDO:0013540, OMIM 614038.
Monocytopenia with susceptibility to infections. Also called: MONOCYTOPENIA AND MYCOBACTERIAL INFECTION SYNDROME; MONOCYTOPENIA WITH SUSCEPTIBILITY TO MYCOBACTERIAL, FUNGAL, AND PAPILLOMAVIRUS INFECTIONS AND MYELODYSPLASIA; COMBINED IMMUNODEFICIENCY WITH SUSCEPTIBILITY TO MYCOBACTERIAL, VIRAL, AND FUNGAL INFECTIONS; IMMUNODEFICIENCY 21; Dendritic cell, monocyte, B lymphocyte, and natural killer lymphocyte deficiency; GATA2 DEFICIENCY. Identifiers: Orphanet 228423, MedGen C3280030, MONDO:0013607, OMIM 614172.
Inborn genetic diseases. Identifiers: MedGen C0950123, MeSH D030342.

Allele frequency attached by ClinVar (database versions not stated): TOPMed below 0.00001; gnomAD exomes 0.00002; ExAC 0.00005.
gnomAD v4.1: 11 of 1,596,448 alleles (0.00069%); highest among the groups gnomAD compares: South Asian, 0.0068%; no homozygotes.

Submissions (2):

Ambry Genetics
Classification: Likely benign for Inborn genetic diseases. Last evaluated: 2024-10-28. Review status: criteria provided, single submitter. Criteria: Ambry Variant Classification Scheme 2023. Collection method: clinical testing. Allele origin: germline.

Labcorp Genetics (formerly Invitae), Labcorp
Classification: Uncertain significance for Monocytopenia with susceptibility to infections; Deafness-lymphedema-leukemia syndrome. Last evaluated: 2020-03-18. Review status: criteria provided, single submitter. Criteria: Invitae Variant Classification Sherloc (09022015). Collection method: clinical testing. Allele origin: germline.
Comment: This sequence change replaces serine with arginine at codon 152 of the GATA2 protein (p.Ser152Arg). The serine residue is weakly conserved and there is a moderate physicochemical difference between serine and arginine. This variant is present in population databases (rs750384699, ExAC 0.03%). This variant has not been reported in the literature in individuals with GATA2-related disease. Algorithms developed to predict the effect of missense changes on protein structure and function (SIFT, PolyPhen-2, Align-GVGD) all suggest that this variant is likely to be tolerated, but these predictions have not been confirmed by published functional studies and their clinical significance is uncertain. In summary, the available evidence is currently insufficient to determine the role of this variant in disease. Therefore, it has been classified as a Variant of Uncertain Significance.